The following is an entry in ClinVar:

ClinVar aggregate classification (germline): Uncertain significance (1 of 4 stars; one submission).

Submission:

GeneDx
Classification: Uncertain significance. Last evaluated: 2021-07-28. Review status: criteria provided, single submitter. Criteria: GeneDx Variant Classification Process June 2021. Collection method: clinical testing. Allele origin: germline. Affected: yes.
Comment: Not observed at significant frequency in large population cohorts (Lek et al., 2016); In silico analysis supports that this missense variant has a deleterious effect on protein structure/function; Has not been previously published as pathogenic or benign to our knowledge

NM_025074.7(FRAS1):c.8807T>A (p.Val2936Asp)

Gene: FRAS1 (Fraser extracellular matrix complex subunit 1; plus strand). Cytogenetic location: 4q21.21.
Variant type: single nucleotide variant.
Coding change: c.8807T>A on transcript NM_025074.7 (MANE Select); coding-DNA position 8807, T replaced by A.
Protein change: p.Val2936Asp; replaces valine 2936 with aspartic acid.
Molecular consequence: missense variant.
Genome position (GRCh38, 1-based): chr4:78,488,929, T>A. VCF-style: chr4-78488929-T-A. GRCh37 (hg19) VCF-style: chr4-79410083-T-A.
Other names: short protein forms V2936D.
Identifiers: ClinVar variation 1302381 (VCV001302381.2), dbSNP rs2109865038, ClinGen allele CA357375348.